The following is an entry in ClinVar:

NM_000321.3(RB1):c.2267_2272del (p.Tyr756_Asn757del)

Gene: RB1 (RB transcriptional corepressor 1; plus strand). Cytogenetic location: 13q14.2.
Variant type: Deletion.
Coding change: c.2267_2272del on transcript NM_000321.3 (MANE Select); coding-DNA positions 2267 to 2272, 6 bases deleted (ATAACT; older notation c.2267_2272delATAACT).
Protein change: p.Tyr756_Asn757del.
Molecular consequence: inframe deletion.
Genome position (GRCh38, 1-based): chr13:48,465,053-48,465,058, ATAACT deleted; deleting any 6 consecutive bases within chr13:48,465,051-48,465,058 gives the same sequence; the c. name uses the placement nearest the transcript's 3' end. VCF-style (leftmost placement, unchanged base first): chr13-48465050-TCTATAA-T. GRCh37 (hg19) VCF-style: chr13-49039186-TCTATAA-T.
Other names: c.2267_2272del, p.Tyr756_Asn757del (NM_001407165.1).
Identifiers: ClinVar variation 2764882 (VCV002764882.3), dbSNP rs2542375270, ClinGen allele CA2697551858.

ClinVar aggregate classification (germline): Uncertain significance (1 of 4 stars; one submission).

Conditions:
Retinoblastoma (RB1). Also called: RETINOBLASTOMA, SOMATIC. Identifiers: Orphanet 790, MedGen C0035335, MeSH D012175, MONDO:0008380, OMIM 180200, HP:0009919. Disease mechanism: loss of function. Inheritance: Both sporadic and heritable forms are tested..

Submission:

Labcorp Genetics (formerly Invitae), Labcorp
Classification: Uncertain significance for Retinoblastoma. Last evaluated: 2023-06-04. Review status: criteria provided, single submitter. Criteria: Invitae Variant Classification Sherloc (09022015). Collection method: clinical testing. Allele origin: germline.
Comment: Experimental studies and prediction algorithms are not available or were not evaluated, and the functional significance of this variant is currently unknown. In summary, the available evidence is currently insufficient to determine the role of this variant in disease. Therefore, it has been classified as a Variant of Uncertain Significance. This variant has been observed in individual(s) with retinoblastoma (Invitae). This variant is not present in population databases (gnomAD no frequency). This variant, c.2267_2272del, results in the deletion of 2 amino acid(s) of the RB1 protein (p.Tyr756_Asn757del), but otherwise preserves the integrity of the reading frame.